The following is an entry in ClinVar:

NC_000018.9:g.(7050936_7079973)_(7117797_?)dup

Gene: LAMA1 (laminin subunit alpha 1; minus strand). Cytogenetic location: 18p11.31-11.23.
Variant type: Duplication.
Identifiers: ClinVar variation 3907292 (VCV003907292.1).

ClinVar aggregate classification (germline): Uncertain significance (1 of 4 stars; one submission).

Submission:

Women's Health and Genetics/Laboratory Corporation of America, LabCorp
Classification: Uncertain significance. Last evaluated: 2025-06-09. Review status: criteria provided, single submitter. Criteria: LabCorp Variant Classification Summary - May 2015. Collection method: clinical testing. Allele origin: germline.
Comment: Variant summary: The variant involves the duplication of exons 1-3 in the LAMA1 gene. A presumed nomenclature of c.(?_-78)_(345+1_346-1)dup has been designated for the purposes of this classification. The exact breakpoint at the 5' end of this variant is unknown, therefore this duplication may extend upstream of the annotated region of this gene. It is predicted to duplicate a segment including the initiation codon, therefore its impact on the encoded protein is unknown. The frequency of this variant in the general population could not be determined as the technology used for large population databases (ExAC, gnomAD, ESP, 1000G) cannot detect variants of this type. The available data on variant occurrences in the general population are insufficient to allow any conclusion about variant significance. To our knowledge, no occurrence of c.(?_-78)_(345+1_346-1)dup in individuals affected with Ataxia-Intellectual Disability-Oculomotor Apraxia-Cerebellar Cysts Syndrome and no experimental evidence demonstrating its impact on protein function have been reported. ClinVar contains an entry for this variant (Variation ID: 1440429). Based on the evidence outlined above, the variant was classified as uncertain significance.